The following is an entry in ClinVar:

ClinVar aggregate classification (germline): Benign/Likely benign. Review status: criteria provided, multiple submitters, no conflicts (2 of 4 stars). 14 submissions from 14 submitters: Benign (7); Likely benign (3). 4 of the submissions do not count toward it. Last evaluated 2026-02-03.

Conditions:
Inborn genetic diseases. Identifiers: MedGen C0950123, MeSH D030342.
Simpson-Golabi-Behmel syndrome type 1 (SGBS1). Also called: SIMPSON DYSMORPHIA SYNDROME; BULLDOG SYNDROME; DYSPLASIA GIGANTISM SYNDROME, X-LINKED; GOLABI-ROSEN SYNDROME; GPC3-Related Simpson-Golabi-Behmel Syndrome Type 1. Identifiers: Orphanet 373, MedGen C0796154, MONDO:0020602, OMIM 312870.
Wilms tumor 1 (WT1). Also called: Wilms tumor, somatic. Identifiers: Orphanet 654, MedGen CN033288, MONDO:0008679, OMIM 194070.

Allele frequency attached by ClinVar (database versions not stated): ExAC 0.00583; gnomAD exomes 0.00625; ESP Exome Variant Server 0.00275; gnomAD 0.00333 and 0.00353; 1000 Genomes Project 30x 0.00416; TOPMed 0.00436; 1000 Genomes Project 0.00450.
gnomAD v4.1: 5,541 of 1,210,255 alleles (0.46%); highest among the groups gnomAD compares: Admixed American, 1.6%; 24 homozygotes.

Submissions (14):

Labcorp Genetics (formerly Invitae), Labcorp
Classification: Benign for Wilms tumor 1. Last evaluated: 2026-02-03. Review status: criteria provided, single submitter. Criteria: Invitae Variant Classification Sherloc (09022015). Collection method: clinical testing. Allele origin: germline.

Blueprint Genetics
Classification: Likely benign. Last evaluated: 2024-11-14. Review status: criteria provided, single submitter. Criteria: ACMG Guidelines, 2015. Collection method: clinical testing. Allele origin: germline.

Mayo Clinic Laboratories, Mayo Clinic
Classification: Benign. Last evaluated: 2024-04-22. Review status: criteria provided, single submitter. Criteria: ACMG Guidelines, 2015. Collection method: clinical testing. Allele origin: germline. Observed: 11 variant alleles.
Comment: BS1, BS2, BP4

KCCC/NGS Laboratory, Kuwait Cancer Control Center
Classification: Benign for Simpson-Golabi-Behmel syndrome type 1. Last evaluated: 2023-07-07. Review status: criteria provided, single submitter. Criteria: ACMG Guidelines, 2015. Collection method: clinical testing. Allele origin: germline. Affected: yes.

GeneDx
Classification: Benign. Last evaluated: 2018-09-14. Review status: criteria provided, single submitter. Criteria: GeneDx Variant Classification (06012015). Collection method: clinical testing. Allele origin: germline. Affected: yes.

Athena Diagnostics
Classification: Benign. Last evaluated: 2017-09-14. Review status: criteria provided, single submitter. Criteria: Athena Diagnostics Criteria. Collection method: clinical testing. Allele origin: germline.

Center for Pediatric Genomic Medicine, Children's Mercy Hospital and Clinics
Classification: Likely benign. Last evaluated: 2017-03-09. Review status: criteria provided, single submitter. Criteria: ACMG Guidelines, 2015. Collection method: clinical testing. Allele origin: germline.

Women's Health and Genetics/Laboratory Corporation of America, LabCorp
Classification: Benign. Last evaluated: 2016-05-05. Review status: criteria provided, single submitter. Criteria: LabCorp Variant Classification Summary - May 2015. Collection method: clinical testing. Allele origin: germline.
Comment: Variant summary: The GPC3 variant, c.1285G>A (p.Val429Met) causes a missense change involving a conserved nucleotide with 2/3 in silico programs (SNPs&GO and MutationTaster not captured here due to low reliability index and p-value, respectively) predict a "benign" outcome, although these predictions have yet to be functionally assessed. The variant of interest was observed in the large, broad control population, ExAC, with an allele frequency of 511/87700 (1/171, 188 hemizygotes, 5 homozygotes), which significantly exceeds the estimated maximum expected allele frequency for a pathogenic GPC3 variant of 1/10000000. The variant of interest, to our knowledge, has not been reported in affected individuals via publications. Therefore, taking all available lines of evidence into consideration, the variant of interest is classified as Benign.

Ambry Genetics
Classification: Benign for Inborn genetic diseases. Last evaluated: 2016-05-04. Review status: criteria provided, single submitter. Criteria: Ambry Variant Classification Scheme 2023. Collection method: clinical testing. Allele origin: germline.

Breakthrough Genomics
Classification: Likely benign. Review status: criteria provided, single submitter. Criteria: ACMG Guidelines, 2015. Collection method: not provided. Allele origin: germline. Inheritance: X-linked inheritance. Affected: yes.

ITMI
No classification provided. Condition: AllHighlyPenetrant. Last evaluated: 2013-09-19. Review status: no classification provided. Collection method: reference population. Allele origin: germline. Not counted in ClinVar's aggregate classification.
Comment: Please see associated publication for description of ethnicities

Clinical Genetics DNA and cytogenetics Diagnostics Lab, Erasmus MC, Erasmus Medical Center
Classification: Benign. Review status: no assertion criteria provided. Collection method: clinical testing. Allele origin: germline. Affected: yes. Study: VKGL Data-share Consensus. Not counted in ClinVar's aggregate classification.

Genome Diagnostics Laboratory, University Medical Center Utrecht
Classification: Likely benign. Review status: no assertion criteria provided. Collection method: clinical testing. Allele origin: germline. Affected: yes. Study: VKGL Data-share Consensus. Not counted in ClinVar's aggregate classification.

Laboratory of Diagnostic Genome Analysis, Leiden University Medical Center (LUMC)
Classification: Benign. Review status: no assertion criteria provided. Collection method: clinical testing. Allele origin: germline. Affected: yes. Study: VKGL Data-share Consensus. Not counted in ClinVar's aggregate classification.

Literature cited by the submitters: PubMed 24728327 (cited by Women's Health and Genetics/Laboratory Corporation of America, LabCorp and ITMI).

NM_004484.4(GPC3):c.1285G>A (p.Val429Met)

Gene: GPC3 (glypican 3; minus strand). Cytogenetic location: Xq26.2.
Variant type: single nucleotide variant.
Coding change: c.1285G>A on transcript NM_004484.4 (MANE Select); coding-DNA position 1285, G replaced by A.
Protein change: p.Val429Met; replaces valine 429 with methionine.
Molecular consequence: missense variant.
Genome position (GRCh38, 1-based): chrX:133,692,376, C>T on the plus strand (G>A on the coding strand, the complement: GPC3 is on the minus strand). VCF-style: chrX-133692376-C-T. GRCh37 (hg19) VCF-style: chrX-132826404-C-T.
Other names: c.1354G>A, p.Val452Met (NM_001164617.2); c.1237G>A, p.Val413Met (NM_001164618.2); c.1123G>A, p.Val375Met (NM_001164619.2); short protein forms V429M, V452M, V413M, V375M.
Identifiers: ClinVar variation 134501 (VCV000134501.62), dbSNP rs11539789, ClinGen allele CA159989.
Genomic context (GRCh38, chrX:133,692,376, plus strand): 5'-ATATGACAATTATTCCTCAAATATTGCTATATGTAACTTTCAAAAAAGATCACCTCTCCA[C>T]GAGTTCTTGTCCATTCCAGCAAAGGGTGTCGTTTTCCGCCACAGGGCTATGGCTGCAGAT-3'
Protein context (NP_004475.1, residues 419-439): DTLCWNGQEL[Val429Met]ERYSQKAARN